The following is an entry in ClinVar:

ClinVar aggregate classification (germline): Uncertain significance. Review status: criteria provided, single submitter (1 of 4 stars). 3 submissions from 3 submitters: Uncertain significance (1). 2 of the submissions do not count toward it. Last evaluated 2021-12-01.

Conditions:
BBS1-related disorder. Also called: BBS1-related condition.
Bardet-Biedl syndrome 1 (BBS1). Identifiers: MedGen C2936862, MONDO:0008854, OMIM 209900. Disease mechanism: loss of function.
Bardet-Biedl syndrome (BBS). Identifiers: Orphanet 110, MedGen C0752166, MONDO:0015229.

Allele frequency attached by ClinVar (database versions not stated): gnomAD exomes 0.00001; ExAC 0.00001.
gnomAD v4.1: 10 of 1,613,364 alleles (0.00062%); highest among the groups gnomAD compares: Non-Finnish European, 0.00085%; no homozygotes.

Submissions (3):

Labcorp Genetics (formerly Invitae), Labcorp
Classification: Uncertain significance for Bardet-Biedl syndrome. Last evaluated: 2021-12-01. Review status: criteria provided, single submitter. Criteria: Invitae Variant Classification Sherloc (09022015). Collection method: clinical testing. Allele origin: germline.
Comment: This sequence change replaces leucine, which is neutral and non-polar, with valine, which is neutral and non-polar, at codon 336 of the BBS1 protein (p.Leu336Val). This variant is present in population databases (rs765494351, gnomAD 0.0009%). This variant has not been reported in the literature in individuals affected with BBS1-related conditions. ClinVar contains an entry for this variant (Variation ID: 1037324). Algorithms developed to predict the effect of missense changes on protein structure and function (SIFT, PolyPhen-2, Align-GVGD) all suggest that this variant is likely to be tolerated. In summary, the available evidence is currently insufficient to determine the role of this variant in disease. Therefore, it has been classified as a Variant of Uncertain Significance.

PreventionGenetics, part of Exact Sciences
Classification: Uncertain significance for BBS1-related condition. Last evaluated: 2024-05-14. Review status: no assertion criteria provided. Collection method: clinical testing. Allele origin: germline. Not counted in ClinVar's aggregate classification.
Comment: The BBS1 c.1006C>G variant is predicted to result in the amino acid substitution p.Leu336Val. To our knowledge, this variant has not been reported in the literature. This variant is reported in 0.00088% of alleles in individuals of European (Non-Finnish) descent in gnomAD. At this time, the clinical significance of this variant is uncertain due to the absence of conclusive functional and genetic evidence.

Natera, Inc.
Classification: Uncertain significance for Bardet-Biedl syndrome type 1. Last evaluated: 2020-10-05. Review status: no assertion criteria provided. Collection method: clinical testing. Allele origin: germline. Not counted in ClinVar's aggregate classification.

NM_024649.5(BBS1):c.1006C>G (p.Leu336Val)

Genes: BBS1 (Bardet-Biedl syndrome 1; plus strand), ZDHHC24 (zDHHC palmitoyltransferase 24; minus strand). Cytogenetic location: 11q13.2.
Variant type: single nucleotide variant.
Coding change: c.1006C>G on transcript NM_024649.5 (MANE Select); coding-DNA position 1006, C replaced by G.
Protein change: p.Leu336Val; replaces leucine 336 with valine.
Molecular consequence: missense variant. On other transcripts: intron variant (1).
Genome position (GRCh38, 1-based): chr11:66,523,778, C>G. VCF-style: chr11-66523778-C-G. GRCh37 (hg19) VCF-style: chr11-66291249-C-G.
Other names: c.1006C>G (NM_024649.4); c.*22-2312G>C (NM_001348571.2); short protein forms L336V.
Identifiers: ClinVar variation 1037324 (VCV001037324.8), dbSNP rs765494351, ClinGen allele CA6123587.
Genomic context (GRCh38, chr11:66,523,778, plus strand): 5'-TGCCAGGGGAAGAAGCTGTGGACAGTGCAGATGCCCGCAGCCATCCTGACCATGAACCTC[C>G]TGGAGCAGCATTCCCGGGGCCTGCAGGCCGTCATGGCTGGGCTGGCCAATGGAGAGGTCC-3'
Protein context (NP_078925.3, residues 326-346): MPAAILTMNL[Leu336Val]EQHSRGLQAV